The following is an entry in ClinVar:

ClinVar aggregate classification (germline): Uncertain significance. Review status: criteria provided, multiple submitters, no conflicts (2 of 4 stars). 4 submissions from 4 submitters: Uncertain significance (4). Last evaluated 2025-05-19.

Conditions:
Breast and/or ovarian cancer. Identifiers: MedGen CN221562.
Familial cancer of breast. Also called: BREAST CANCER, FAMILIAL; Hereditary breast cancer; hereditary breast carcinoma. Identifiers: Orphanet 227535, MedGen C0346153, MONDO:0016419, OMIM 114480. Disease mechanism: loss of function.
Hereditary cancer-predisposing syndrome. Also called: Hereditary Cancer Syndrome; Neoplastic Syndromes, Hereditary; Tumor predisposition; Hereditary neoplastic syndrome. Identifiers: Orphanet 140162, MedGen C0027672, MeSH D009386, MONDO:0015356.

Allele frequency attached by ClinVar (database versions not stated): TOPMed below 0.00001; ExAC 0.00001; gnomAD 0.00001; gnomAD exomes 0.00001.

Submissions (4):

Labcorp Genetics (formerly Invitae), Labcorp
Classification: Uncertain significance for Familial cancer of breast. Last evaluated: 2025-05-19. Review status: criteria provided, single submitter. Criteria: Invitae Variant Classification Sherloc (09022015). Collection method: clinical testing. Allele origin: germline.
Comment: This sequence change replaces leucine, which is neutral and non-polar, with serine, which is neutral and polar, at codon 250 of the PALB2 protein (p.Leu250Ser). This variant is present in population databases (rs774675771, gnomAD 0.002%). This variant has not been reported in the literature in individuals affected with PALB2-related conditions. ClinVar contains an entry for this variant (Variation ID: 827085). An algorithm developed to predict the effect of missense changes on protein structure and function outputs the following: PolyPhen-2: "Benign". The serine amino acid residue is found in multiple mammalian species, which suggests that this missense change does not adversely affect protein function. In summary, the available evidence is currently insufficient to determine the role of this variant in disease. Therefore, it has been classified as a Variant of Uncertain Significance.

Ambry Genetics
Classification: Uncertain significance for Hereditary cancer-predisposing syndrome. Last evaluated: 2024-04-09. Review status: criteria provided, single submitter. Criteria: Ambry Variant Classification Scheme 2023. Collection method: clinical testing. Allele origin: germline.
Comment: The p.L250S variant (also known as c.749T>C), located in coding exon 4 of the PALB2 gene, results from a T to C substitution at nucleotide position 749. The leucine at codon 250 is replaced by serine, an amino acid with dissimilar properties. This amino acid position is not well conserved in available vertebrate species. In addition, this alteration is predicted to be tolerated by in silico analysis. Since supporting evidence is limited at this time, the clinical significance of this alteration remains unclear.

CeGaT Center for Human Genetics Tuebingen
Classification: Uncertain significance. Last evaluated: 2024-02-01. Review status: criteria provided, single submitter. Criteria: CeGaT Center For Human Genetics Tuebingen Variant Classification Criteria Version 2. Collection method: clinical testing. Allele origin: germline. Affected: yes. Observed: 1 variant allele.
Comment: PALB2: PM2, BP4

CHEO Genetics Diagnostic Laboratory, Children's Hospital of Eastern Ontario
Classification: Uncertain significance for Breast and/or ovarian cancer. Last evaluated: 2020-03-23. Review status: criteria provided, single submitter. Criteria: ACMG Guidelines, 2015. Collection method: clinical testing. Allele origin: germline.

NM_024675.4(PALB2):c.749T>C (p.Leu250Ser)

Gene: PALB2 (partner and localizer of BRCA2; minus strand). Cytogenetic location: 16p12.2.
Variant type: single nucleotide variant.
Coding change: c.749T>C on transcript NM_024675.4 (MANE Select); coding-DNA position 749, T replaced by C.
Protein change: p.Leu250Ser; replaces leucine 250 with serine.
Molecular consequence: missense variant.
Genome position (GRCh38, 1-based): chr16:23,635,797, A>G on the plus strand (T>C on the coding strand, the complement: PALB2 is on the minus strand). VCF-style: chr16-23635797-A-G. GRCh37 (hg19) VCF-style: chr16-23647118-A-G.
Other names: short protein forms L250S.
Identifiers: ClinVar variation 827085 (VCV000827085.39), dbSNP rs774675771, ClinGen allele CA7963763.